The following is an entry in ClinVar:

ClinVar aggregate classification (germline): Uncertain significance. Review status: criteria provided, multiple submitters, no conflicts (2 of 4 stars). 2 submissions from 2 submitters: Uncertain significance (2). Last evaluated 2024-10-29.

Conditions:
Muscular dystrophy-dystroglycanopathy type B6 (MDDGB6). Also called: MUSCULAR DYSTROPHY, CONGENITAL, LARGE-RELATED; MUSCULAR DYSTROPHY, CONGENITAL, TYPE 1D; MUSCULAR DYSTROPHY-DYSTROGLYCANOPATHY (CONGENITAL WITH IMPAIRED INTELLECTUAL DEVELOPMENT), TYPE B, 6. Identifiers: MedGen C1837229, MONDO:0012138, OMIM 608840.

Allele frequency attached by ClinVar (database versions not stated): ExAC 0.00001.

Submissions (2):

Labcorp Genetics (formerly Invitae), Labcorp
Classification: Uncertain significance for Muscular dystrophy-dystroglycanopathy type B6. Last evaluated: 2024-10-29. Review status: criteria provided, single submitter. Criteria: Invitae Variant Classification Sherloc (09022015). Collection method: clinical testing. Allele origin: germline.
Comment: This sequence change replaces glutamine, which is neutral and polar, with histidine, which is basic and polar, at codon 82 of the LARGE1 protein (p.Gln82His). This variant is present in population databases (rs768234422, gnomAD 0.0009%). This variant has not been reported in the literature in individuals affected with LARGE1-related conditions. ClinVar contains an entry for this variant (Variation ID: 1359341). An algorithm developed to predict the effect of missense changes on protein structure and function (PolyPhen-2) suggests that this variant is likely to be tolerated. In summary, the available evidence is currently insufficient to determine the role of this variant in disease. Therefore, it has been classified as a Variant of Uncertain Significance.

GeneDx
Classification: Uncertain significance. Last evaluated: 2023-03-21. Review status: criteria provided, single submitter. Criteria: GeneDx Variant Classification Process June 2021. Collection method: clinical testing. Allele origin: germline. Affected: yes.
Comment: Not observed at significant frequency in large population cohorts (gnomAD); In silico analysis supports that this missense variant has a deleterious effect on protein structure/function; Has not been previously published as pathogenic or benign to our knowledge; This variant is associated with the following publications: (PMID: 25279699, 24709677)

NM_133642.5(LARGE1):c.246G>T (p.Gln82His)

Gene: LARGE1 (LARGE xylosyl- and glucuronyltransferase 1; minus strand). Cytogenetic location: 22q12.3.
Variant type: single nucleotide variant.
Coding change: c.246G>T on transcript NM_133642.5 (MANE Select); coding-DNA position 246, G replaced by T.
Protein change: p.Gln82His; replaces glutamine 82 with histidine.
Molecular consequence: missense variant.
Genome position (GRCh38, 1-based): chr22:33,650,529, C>A on the plus strand (G>T on the coding strand, the complement: LARGE1 is on the minus strand). VCF-style: chr22-33650529-C-A. GRCh37 (hg19) VCF-style: chr22-34046515-C-A.
Other names: c.246G>T, p.Gln82His (NM_001362949.2, NM_001362951.2, NM_001362953.2 and 7 more transcripts); c.246G>T (NM_004737.4); short protein forms Q82H.
Identifiers: ClinVar variation 1359341 (VCV001359341.6), dbSNP rs768234422, ClinGen allele CA10203112.
Genomic context (GRCh38, chr22:33,650,529, plus strand): 5'-GTAGGTCTTGGAGTGGTTGCCTCGGCGATGGGATGGGGCTCGGCCCTGGGCCAGGCTGAG[C>A]TGCCTGCGGAGGGCGCGGTTCTCCTCCTCCACCTCGCGCATGCGCACCTCCAGGCTCTCG-3'
Protein context (NP_598397.1, residues 72-92): VEEENRALRR[Gln82His]LSLAQGRAPS